The following is an entry in ClinVar:

ClinVar aggregate classification (germline): Likely benign (1 of 4 stars; one submission).

Conditions:
Familial isolated arrhythmogenic right ventricular dysplasia. Identifiers: Orphanet 217656, MedGen C4274968, MONDO:0016342.

Submission:

All of Us Research Program, National Institutes of Health
Classification: Likely benign for Familial isolated arrhythmogenic right ventricular dysplasia. Last evaluated: 2023-11-02. Review status: criteria provided, single submitter. Criteria: ACMG Guidelines, 2015. Collection method: clinical testing. Allele origin: germline. Inheritance: Autosomal dominant inheritance. Observed: 1 variant allele, 1 heterozygote.
Comment: This study involves interpretation of variants in research participants for the purpose of population health screening. Participant phenotype was not available at the time of variant classification. Additional details can be found in publication PMID: 35346344, PMCID: PMC8962531

NM_024422.6(DSC2):c.1611A>G (p.Ala537=)

Gene: DSC2 (desmocollin 2; minus strand). Cytogenetic location: 18q12.1.
Variant type: single nucleotide variant.
Coding change: c.1611A>G on transcript NM_024422.6 (MANE Select); coding-DNA position 1611, A replaced by G.
Protein change: p.Ala537=; no amino-acid change (alanine 537 retained).
Molecular consequence: synonymous variant.
Genome position (GRCh38, 1-based): chr18:31,079,899, T>C on the plus strand (A>G on the coding strand, the complement: DSC2 is on the minus strand). VCF-style: chr18-31079899-T-C. GRCh37 (hg19) VCF-style: chr18-28659865-T-C.
Other names: c.1182A>G, p.Ala394= (NM_001406506.1, NM_001406507.1); c.1611A>G, p.Ala537= (NM_004949.5).
Identifiers: ClinVar variation 3074276 (VCV003074276.1), dbSNP rs2510946605, ClinGen allele CA503527304.